The following is an entry in ClinVar:

ClinVar aggregate classification (germline): Uncertain significance (1 of 4 stars; one submission).

Submission:

GeneDx
Classification: Uncertain significance. Last evaluated: 2023-04-30. Review status: criteria provided, single submitter. Criteria: GeneDx Variant Classification Process June 2021. Collection method: clinical testing. Allele origin: germline. Affected: yes.
Comment: Not observed at significant frequency in large population cohorts (gnomAD); In silico analysis supports that this missense variant does not alter protein structure/function; Has not been previously published as pathogenic or benign to our knowledge

NM_207111.4(RNF216):c.451C>A (p.Gln151Lys)

Gene: RNF216 (ring finger protein 216; minus strand). Cytogenetic location: 7p22.1.
Variant type: single nucleotide variant.
Coding change: c.451C>A on transcript NM_207111.4 (MANE Select); coding-DNA position 451, C replaced by A.
Protein change: p.Gln151Lys; replaces glutamine 151 with lysine.
Molecular consequence: missense variant.
Genome position (GRCh38, 1-based): chr7:5,741,566, G>T on the plus strand (C>A on the coding strand, the complement: RNF216 is on the minus strand). VCF-style: chr7-5741566-G-T. GRCh37 (hg19) VCF-style: chr7-5781197-G-T.
Other names: c.280C>A, p.Gln94Lys (NM_001377156.1, NM_207116.3); short protein forms Q151K, Q94K.
Identifiers: ClinVar variation 3343198 (VCV003343198.1).
Genomic context (GRCh38, chr7:5,741,566, plus strand): 5'-TGACAATGTCATTTGCTGCTTGGTTATGACTCGGTCCAGGCTTGGGTTCTCTTTCTGTTT[G>T]GCCACTTGGCTTAGTGAATTCAGAGATTCCAGGAGGCCCAAGATCCAGAAATTCACCGTA-3'
Protein context (NP_996994.1, residues 141-161): GISEFTKPSG[Gln151Lys]TEREPKPGPS